The following is an entry in ClinVar:

ClinVar aggregate classification (germline): Uncertain significance (1 of 4 stars; one submission).

Conditions:
Nemaline myopathy 2 (NEM2). Also called: Nemaline myopathy 2, autosomal recessive. Identifiers: MedGen C1850569, MONDO:0009725, OMIM 256030.

Allele frequency attached by ClinVar (database versions not stated): TOPMed 0.00001.

Submission:

Labcorp Genetics (formerly Invitae), Labcorp
Classification: Uncertain significance for Nemaline myopathy 2. Last evaluated: 2020-02-15. Review status: criteria provided, single submitter. Criteria: Invitae Variant Classification Sherloc (09022015). Collection method: clinical testing. Allele origin: germline.
Comment: This sequence change replaces serine with glycine at codon 7816 of the NEB protein (p.Ser7816Gly). The serine residue is moderately conserved and there is a small physicochemical difference between serine and glycine. This variant is not present in population databases (ExAC no frequency). This variant has not been reported in the literature in individuals with NEB-related conditions. Algorithms developed to predict the effect of missense changes on protein structure and function are either unavailable or do not agree on the potential impact of this missense change (SIFT: "Deleterious"; PolyPhen-2: "Not Available"; Align-GVGD: "Class C0"). In summary, the available evidence is currently insufficient to determine the role of this variant in disease. Therefore, it has been classified as a Variant of Uncertain Significance.

NM_001164508.2(NEB):c.23341A>G (p.Ser7781Gly)

Genes: NEB (nebulin; minus strand), RIF1 (replication timing regulatory factor 1; plus strand). Cytogenetic location: 2q23.3.
Variant type: single nucleotide variant.
Coding change: c.23341A>G on transcript NM_001164508.2 (MANE Select); coding-DNA position 23341, A replaced by G.
Protein change: p.Ser7781Gly; replaces serine 7781 with glycine.
Molecular consequence: missense variant.
Genome position (GRCh38, 1-based): chr2:151,512,738, T>C on the plus strand (A>G on the coding strand, the complement: NEB is on the minus strand). VCF-style: chr2-151512738-T-C. GRCh37 (hg19) VCF-style: chr2-152369252-T-C.
Other names: c.23341A>G, p.Ser7781Gly (NM_001164507.2); c.23446A>G, p.Ser7816Gly (NM_001271208.2); c.18238A>G, p.Ser6080Gly (NM_004543.5); short protein forms S6080G, S7781G, S7816G.
Identifiers: ClinVar variation 961505 (VCV000961505.9), dbSNP rs745794892, ClinGen allele CA348749678.